The following is an entry in ClinVar:

ClinVar aggregate classification (germline): Benign/Likely benign. Review status: criteria provided, multiple submitters, no conflicts (2 of 4 stars). 3 submissions from 3 submitters: Benign (2); Likely benign (1). Last evaluated 2023-02-01.

Allele frequency attached by ClinVar (database versions not stated): gnomAD exomes 0.00043 and 0.00095; ExAC 0.00102; 1000 Genomes Project 0.00120; ESP Exome Variant Server 0.00123; 1000 Genomes Project 30x 0.00125; gnomAD 0.00159 and 0.00166; TOPMed 0.00162.

Submissions (3):

CeGaT Center for Human Genetics Tuebingen
Classification: Likely benign. Last evaluated: 2023-02-01. Review status: criteria provided, single submitter. Criteria: CeGaT Center For Human Genetics Tuebingen Variant Classification Criteria Version 2. Collection method: clinical testing. Allele origin: germline. Affected: yes. Observed: 1 variant allele.
Comment: NOTUM: BP4, BP7, BS2

Labcorp Genetics (formerly Invitae), Labcorp
Classification: Benign. Last evaluated: 2018-05-18. Review status: criteria provided, single submitter. Criteria: Invitae Variant Classification Sherloc (09022015). Collection method: clinical testing. Allele origin: germline.

Breakthrough Genomics
Classification: Benign. Review status: criteria provided, single submitter. Criteria: ACMG Guidelines, 2015. Collection method: not provided. Allele origin: germline. Inheritance: Unknown mechanism. Affected: yes.

NM_178493.6(NOTUM):c.855C>T (p.Cys285=)

Gene: NOTUM (notum, palmitoleoyl-protein carboxylesterase; minus strand). Cytogenetic location: 17q25.3.
Variant type: single nucleotide variant.
Coding change: c.855C>T on transcript NM_178493.6 (MANE Select); coding-DNA position 855, C replaced by T.
Protein change: p.Cys285=; no amino-acid change (cysteine 285 retained).
Molecular consequence: synonymous variant.
Genome position (GRCh38, 1-based): chr17:81,956,915, G>A on the plus strand (C>T on the coding strand, the complement: NOTUM is on the minus strand). VCF-style: chr17-81956915-G-A. GRCh37 (hg19) VCF-style: chr17-79914791-G-A.
Identifiers: ClinVar variation 714076 (VCV000714076.28), dbSNP rs150457980, ClinGen allele CA8846032.